The following is an entry in ClinVar:

NM_000918.4(P4HB):c.448G>T (p.Val150Leu)

Gene: P4HB (prolyl 4-hydroxylase subunit beta; minus strand). Cytogenetic location: 17q25.3.
Variant type: single nucleotide variant.
Coding change: c.448G>T on transcript NM_000918.4 (MANE Select); coding-DNA position 448, G replaced by T.
Protein change: p.Val150Leu; replaces valine 150 with leucine.
Molecular consequence: missense variant.
Genome position (GRCh38, 1-based): chr17:81,855,491, C>A on the plus strand (G>T on the coding strand, the complement: P4HB is on the minus strand). VCF-style: chr17-81855491-C-A. GRCh37 (hg19) VCF-style: chr17-79813367-C-A.
Other names: short protein forms V150L.
Identifiers: ClinVar variation 1427952 (VCV001427952.6), dbSNP rs2038900050, ClinGen allele CA401515875.

ClinVar aggregate classification (germline): Uncertain significance (1 of 4 stars; one submission).

gnomAD v4.1: 2 of 1,613,966 alleles (0.00012%); highest among the groups gnomAD compares: South Asian, 0.0011%; no homozygotes.

Submission:

Labcorp Genetics (formerly Invitae), Labcorp
Classification: Uncertain significance. Last evaluated: 2023-06-19. Review status: criteria provided, single submitter. Criteria: Invitae Variant Classification Sherloc (09022015). Collection method: clinical testing. Allele origin: germline.
Comment: This variant is not present in population databases (gnomAD no frequency). In summary, the available evidence is currently insufficient to determine the role of this variant in disease. Therefore, it has been classified as a Variant of Uncertain Significance. Advanced modeling of protein sequence and biophysical properties (such as structural, functional, and spatial information, amino acid conservation, physicochemical variation, residue mobility, and thermodynamic stability) performed at Invitae indicates that this missense variant is not expected to disrupt P4HB protein function. ClinVar contains an entry for this variant (Variation ID: 1427952). This variant has not been reported in the literature in individuals affected with P4HB-related conditions. This sequence change replaces valine, which is neutral and non-polar, with leucine, which is neutral and non-polar, at codon 150 of the P4HB protein (p.Val150Leu).